The following is an entry in ClinVar:

NM_013382.7(POMT2):c.435_438dup (p.Phe147fs)

Gene: POMT2 (protein O-mannosyltransferase 2; minus strand). Cytogenetic location: 14q24.3.
Variant type: Duplication.
Coding change: c.435_438dup on transcript NM_013382.7 (MANE Select); coding-DNA positions 435 to 438, 4 bases duplicated (AGGA; older notation c.435_438dupAGGA).
Protein change: p.Phe147fs; shifts the reading frame from phenylalanine 147.
Molecular consequence: frameshift variant.
Genome position (GRCh38, 1-based): chr14:77,306,337-77,306,340, TCCT duplicated on the plus strand (AGGA on the coding strand, the reverse complement: POMT2 is on the minus strand). VCF-style (leftmost placement, unchanged base first): chr14-77306336-C-CTCCT. GRCh37 (hg19) VCF-style: chr14-77772679-C-CTCCT.
Other names: short protein forms F147fs.
Identifiers: ClinVar variation 2954561 (VCV002954561.4), dbSNP rs2503308246, ClinGen allele CA2740097159.

ClinVar aggregate classification (germline): Pathogenic/Likely pathogenic. Review status: criteria provided, multiple submitters, no conflicts (2 of 4 stars). 2 submissions from 2 submitters: Pathogenic (1); Likely pathogenic (1). Last evaluated 2025-05-19.

Conditions:
Muscular dystrophy-dystroglycanopathy (congenital with brain and eye anomalies), type A2. Also called: MUSCULAR DYSTROPHY-DYSTROGLYCANOPATHY (CONGENITAL WITH BRAIN AND EYE ANOMALIES), TYPE A, 2; WALKER-WARBURG SYNDROME OR MUSCLE-EYE-BRAIN DISEASE, POMT2-RELATED. Identifiers: Orphanet 588, Orphanet 899, MedGen C3150411, MONDO:0013154, OMIM 613150.
Muscular dystrophy-dystroglycanopathy (congenital with impaired intellectual development), type B, 2. Also called: MUSCULAR DYSTROPHY, CONGENITAL, POMT2-RELATED; Muscular dystrophy-dystroglycanopathy (congenital with intellectual disability), type B2. Identifiers: MedGen C3150416, MONDO:0013160, OMIM 613156.
Autosomal recessive limb-girdle muscular dystrophy type 2N. Also called: MUSCULAR DYSTROPHY-DYSTROGLYCANOPATHY, LIMB-GIRDLE, POMT2-RELATED; Muscular dystrophy-dystroglycanopathy (limb-girdle), type C, 2. Identifiers: Orphanet 206559, MedGen C3150418, MONDO:0013162, OMIM 613158.

Submissions (2):

Labcorp Genetics (formerly Invitae), Labcorp
Classification: Pathogenic for Muscular dystrophy-dystroglycanopathy (congenital with impaired intellectual development), type B, 2; Muscular dystrophy-dystroglycanopathy (congenital with brain and eye anomalies), type A2; Autosomal recessive limb-girdle muscular dystrophy type 2N. Last evaluated: 2025-05-19. Review status: criteria provided, single submitter. Criteria: Invitae Variant Classification Sherloc (09022015). Collection method: clinical testing. Allele origin: germline.
Comment: This sequence change creates a premature translational stop signal (p.Phe147Argfs*38) in the POMT2 gene. It is expected to result in an absent or disrupted protein product. Loss-of-function variants in POMT2 are known to be pathogenic (PMID: 15894594). This variant is not present in population databases (gnomAD no frequency). This variant has not been reported in the literature in individuals affected with POMT2-related conditions. ClinVar contains an entry for this variant (Variation ID: 2954561). Algorithms developed to predict the effect of sequence changes on RNA splicing suggest that this variant may disrupt the consensus splice site. For these reasons, this variant has been classified as Pathogenic.

Baylor Genetics
Classification: Likely pathogenic for Muscular dystrophy-dystroglycanopathy (congenital with brain and eye anomalies), type A2. Last evaluated: 2024-02-20. Review status: criteria provided, single submitter. Criteria: ACMG Guidelines, 2015. Collection method: clinical testing. Allele origin: unknown.

Literature cited by the submitters: PubMed 15894594 (cited by Labcorp Genetics (formerly Invitae), Labcorp).